The following is an entry in ClinVar:

ClinVar aggregate classification (germline): Likely benign. Review status: criteria provided, multiple submitters, no conflicts (2 of 4 stars). 3 submissions from 3 submitters: Likely benign (2). 1 of the submissions does not count toward it. Last evaluated 2024-09-18.

Conditions:
FREM2-related disorder. Also called: FREM2-related condition.

Allele frequency attached by ClinVar (database versions not stated): ExAC 0.00003; gnomAD 0.00004; TOPMed 0.00005; ESP Exome Variant Server 0.00015.
gnomAD v4.1: 32 of 1,613,874 alleles (0.002%); highest among the groups gnomAD compares: East Asian, 0.013%; no homozygotes.

Submissions (3):

Blueprint Genetics
Classification: Likely benign. Last evaluated: 2024-09-18. Review status: criteria provided, single submitter. Criteria: ACMG Guidelines, 2015. Collection method: clinical testing. Allele origin: germline.

Labcorp Genetics (formerly Invitae), Labcorp
Classification: Likely benign. Last evaluated: 2024-06-03. Review status: criteria provided, single submitter. Criteria: Invitae Variant Classification Sherloc (09022015). Collection method: clinical testing. Allele origin: germline.

PreventionGenetics, part of Exact Sciences
Classification: Likely benign for FREM2-related condition. Last evaluated: 2021-03-02. Review status: no assertion criteria provided. Collection method: clinical testing. Allele origin: germline. Not counted in ClinVar's aggregate classification.
Comment: This variant is classified as likely benign based on ACMG/AMP sequence variant interpretation guidelines (Richards et al. 2015 PMID: 25741868, with internal and published modifications).

NM_207361.6(FREM2):c.8055C>T (p.Pro2685=)

Gene: FREM2 (FRAS1 related extracellular matrix 2; plus strand). Cytogenetic location: 13q13.3.
Variant type: single nucleotide variant.
Coding change: c.8055C>T on transcript NM_207361.6 (MANE Select); coding-DNA position 8055, C replaced by T.
Protein change: p.Pro2685=; no amino-acid change (proline 2685 retained).
Molecular consequence: synonymous variant.
Genome position (GRCh38, 1-based): chr13:38,872,813, C>T. VCF-style: chr13-38872813-C-T. GRCh37 (hg19) VCF-style: chr13-39446950-C-T.
Other names: c.8055C>T (NM_207361.5).
Identifiers: ClinVar variation 2071840 (VCV002071840.7), dbSNP rs148758281, ClinGen allele CA6956027.